The following is an entry in ClinVar:

ClinVar aggregate classification (germline): Uncertain significance (1 of 4 stars; one submission).

Conditions:
Hao-Fountain syndrome due to USP7 mutation. Also called: USP7-Related Hao Fountain Syndrome. Identifiers: Orphanet 643538, MedGen C5816734, MONDO:0958071, OMIM 616863.

Submission:

3billion
Classification: Uncertain significance for Hao-Fountain syndrome due to USP7 mutation. Last evaluated: 2025-05-09. Review status: criteria provided, single submitter. Criteria: ACMG Guidelines, 2015. Collection method: clinical testing. Allele origin: germline. Affected: yes.
Comment: The variant is not observed in the gnomAD v4.1.0 dataset. Predicted Consequence/Location: Intron variant In silico tools predict the variant to alter splicing and produce an abnormal transcript [SpliceAI: 0.39 (>=0.2, moderate evidence for spliceogenicity)]. Therefore, this variant is classified as VUS according to the recommendation of ACMG/AMP guideline.

NM_003470.3(USP7):c.2531+6T>G

Gene: USP7 (ubiquitin specific peptidase 7; minus strand). Cytogenetic location: 16p13.2.
Variant type: single nucleotide variant.
Coding change: c.2531+6T>G on transcript NM_003470.3 (MANE Select); 6 bases into the intron after coding-DNA position 2531, T replaced by G.
Molecular consequence: intron variant.
Genome position (GRCh38, 1-based): chr16:8,899,115, A>C on the plus strand (T>G on the coding strand, the complement: USP7 is on the minus strand). VCF-style: chr16-8899115-A-C. GRCh37 (hg19) VCF-style: chr16-8992972-A-C.
Other names: c.2357+6T>G (NM_001321858.2); c.2483+6T>G (NM_001286457.2); c.2234+6T>G (NM_001286458.2).
Identifiers: ClinVar variation 4855114 (VCV004855114.1).